The following is an entry in ClinVar:

NM_182640.3(MRPS9):c.711G>A (p.Glu237=)

Gene: MRPS9 (mitochondrial ribosomal protein S9; plus strand). Cytogenetic location: 2q12.1.
Variant type: single nucleotide variant.
Coding change: c.711G>A on transcript NM_182640.3 (MANE Select); coding-DNA position 711, G replaced by A.
Protein change: p.Glu237=; no amino-acid change (glutamic acid 237 retained).
Molecular consequence: synonymous variant.
Genome position (GRCh38, 1-based): chr2:105,092,460, G>A. VCF-style: chr2-105092460-G-A. GRCh37 (hg19) VCF-style: chr2-105708918-G-A.
Identifiers: ClinVar variation 2651225 (VCV002651225.24), dbSNP rs149463519, ClinGen allele CA1813337.

ClinVar aggregate classification (germline): Likely benign (1 of 4 stars; one submission).

Allele frequency attached by ClinVar (database versions not stated): ESP Exome Variant Server 0.00031; TOPMed 0.00054; gnomAD 0.00072; gnomAD exomes 0.00077; ExAC 0.00125; 1000 Genomes Project 30x 0.00156; 1000 Genomes Project 0.00180.
gnomAD v4.1: 1,245 of 1,613,904 alleles (0.077%); highest among the groups gnomAD compares: Middle Eastern, 0.74%; 5 homozygotes.

Submission:

CeGaT Center for Human Genetics Tuebingen
Classification: Likely benign. Last evaluated: 2022-12-01. Review status: criteria provided, single submitter. Criteria: CeGaT Center For Human Genetics Tuebingen Variant Classification Criteria Version 2. Collection method: clinical testing. Allele origin: germline. Affected: yes. Observed: 1 variant allele.
Comment: MRPS9: BP4, BP7